The following is an entry in ClinVar:

NM_003036.4(SKI):c.2036C>A (p.Ala679Glu)

Gene: SKI (SKI proto-oncogene; plus strand). Cytogenetic location: 1p36.32.
Variant type: single nucleotide variant.
Coding change: c.2036C>A on transcript NM_003036.4 (MANE Select); coding-DNA position 2036, C replaced by A.
Protein change: p.Ala679Glu; replaces alanine 679 with glutamic acid.
Molecular consequence: missense variant.
Genome position (GRCh38, 1-based): chr1:2,306,614, C>A. VCF-style: chr1-2306614-C-A. GRCh37 (hg19) VCF-style: chr1-2238053-C-A.
Other names: short protein forms A679E.
Identifiers: ClinVar variation 4996480 (VCV004996480.1).

ClinVar aggregate classification (germline): Uncertain significance (1 of 4 stars; one submission).

Conditions:
SKI-related disorder. Also called: SKI-related condition.

Submission:

PreventionGenetics, part of Exact Sciences
Classification: Uncertain significance for SKI-related condition. Last evaluated: 2026-09-03. Review status: criteria provided, single submitter. Criteria: ACMG Guidelines, 2015. Collection method: clinical testing. Allele origin: germline.
Comment: The SKI c.2036C>A variant is predicted to result in the amino acid substitution p.Ala679Glu. To our knowledge, this variant has not been reported in the literature or in a large population database (gnomAD), indicating this variant is rare. Another variant affecting the same amino acid position, c.2036C>T, p.(Ala679Val), has been reported in an individual with dissection of the thoracic aorta (Table S9, Weerakkody et al. 2018. PubMed ID: 29543232). At this time, the clinical significance of this variant is uncertain due to the absence of conclusive functional and genetic evidence.